The following is an entry in ClinVar:

NM_000060.4:c.1456_1475del

Variant type: Deletion.
Other names: c.1456_1475del (NM_000060.4).
Identifiers: ClinVar variation 4815979 (VCV004815979.1).

ClinVar aggregate classification (germline): Likely pathogenic (1 of 4 stars; one submission).

Conditions:
Biotinidase deficiency. Also called: BTD deficiency; Late-onset biotin-responsive multiple carboxylase deficiency; Biotin deficiency. Identifiers: Orphanet 79241, MedGen C0220754, MONDO:0009665, OMIM 253260.

Submission:

Natera, Inc.
Classification: Likely pathogenic for Biotinidase deficiency. Last evaluated: 2024-07-29. Review status: criteria provided, single submitter. Criteria: Natera Variant Classification Schema (03/2026). Collection method: clinical testing. Allele origin: germline.
Comment: The c.1456_1475del variant in BTD is a frameshift variant predicted to shift the reading frame beginning at codon 486 and leads to a stop codon 18 codons downstream. This variant is expected to result in nonsense mediated decay, truncation, or a dysfunctional protein product. This variant is rare in the general population with a frequency below the threshold expected for the associated phenotype(s). Given the available evidence, this variant is classified as Likely Pathogenic.